The following is an entry in ClinVar:

NM_031407.7(HUWE1):c.2210C>T (p.Ala737Val)

Gene: HUWE1 (HECT, UBA and WWE domain containing E3 ubiquitin protein ligase 1; minus strand). Cytogenetic location: Xp11.22.
Variant type: single nucleotide variant.
Coding change: c.2210C>T on transcript NM_031407.7 (MANE Select); coding-DNA position 2210, C replaced by T.
Protein change: p.Ala737Val; replaces alanine 737 with valine.
Molecular consequence: missense variant.
Genome position (GRCh38, 1-based): chrX:53,614,585, G>A on the plus strand (C>T on the coding strand, the complement: HUWE1 is on the minus strand). VCF-style: chrX-53614585-G-A. GRCh37 (hg19) VCF-style: chrX-53641546-G-A.
Other names: short protein forms A737V.
Identifiers: ClinVar variation 1299595 (VCV001299595.1), dbSNP rs2148818275, ClinGen allele CA413144424.

ClinVar aggregate classification (germline): Uncertain significance (1 of 4 stars; one submission).

Conditions:
Intellectual developmental disorder, X-linked, syndromic, Turner type. Also called: Intellectual disability, X-linked syndromic, Turner type; X-linked intellectual disability, Turner type. Identifiers: Orphanet 3056, Orphanet 85328, MedGen C2678046, MONDO:0010407, OMIM 309590.

Submission:

Laboratory of Medical Genetics, National & Kapodistrian University of Athens
Classification: Uncertain significance for Intellectual developmental disorder, X-linked, syndromic, Turner type. Last evaluated: 2021-10-06. Review status: criteria provided, single submitter. Criteria: ACMG Guidelines, 2015. Collection method: clinical testing. Allele origin: unknown. Affected: yes.
Comment: PM2, PP2, PP3